The following is an entry in ClinVar:

NM_000551.4(VHL):c.444T>C (p.Phe148=)

Genes: VHL (von Hippel-Lindau tumor suppressor; plus strand), LOC107303340 (3p25 von Hippel-Lindau tumor suppressor, E3 ubiquitin protein ligase Alu-mediated recombination region; plus strand). Cytogenetic location: 3p25.3.
Variant type: single nucleotide variant.
Coding change: c.444T>C on transcript NM_000551.4 (MANE Select); coding-DNA position 444, T replaced by C.
Protein change: p.Phe148=; no amino-acid change (phenylalanine 148 retained).
Molecular consequence: synonymous variant. On other transcripts: non-coding transcript variant (1), intron variant (2).
Genome position (GRCh38, 1-based): chr3:10,146,617, T>C. VCF-style: chr3-10146617-T-C. GRCh37 (hg19) VCF-style: chr3-10188301-T-C.
Other names: c.*18-3170T>C (NM_001354723.2); c.341-3170T>C (NM_198156.3).
Identifiers: ClinVar variation 2126222 (VCV002126222.6), dbSNP rs775038762, ClinGen allele CA432421900.

ClinVar aggregate classification (germline): Benign/Likely benign. Review status: criteria provided, multiple submitters, no conflicts (2 of 4 stars). 3 submissions from 3 submitters: Benign (1); Likely benign (2). Last evaluated 2025-06-12.

Conditions:
Chuvash polycythemia. Also called: POLYCYTHEMIA, VHL-DEPENDENT. Identifiers: Orphanet 238557, MedGen C1837915, MONDO:0009892, OMIM 263400.
Von Hippel-Lindau syndrome (VHLS). Also called: Von Hippel-Lindau; von Hippel–Lindau syndrome; VHL syndrome. Identifiers: Orphanet 892, MedGen C0019562, MONDO:0008667, OMIM 193300. Disease mechanism: loss of function.
Hereditary cancer-predisposing syndrome. Also called: Hereditary Cancer Syndrome; Neoplastic Syndromes, Hereditary; Hereditary neoplastic syndrome; Tumor predisposition. Identifiers: Orphanet 140162, MedGen C0027672, MeSH D009386, MONDO:0015356.

Submissions (3):

Myriad Genetics, Inc.
Classification: Benign for Von Hippel-Lindau syndrome. Last evaluated: 2025-06-12. Review status: criteria provided, single submitter. Criteria: Myriad Autosomal Dominant, Autosomal Recessive and X-Linked Classification Criteria (2023). Collection method: clinical testing. Allele origin: unknown.
Comment: This variant is considered benign. This variant is a silent/synonymous amino acid change and it is not expected to impact splicing.

Ambry Genetics
Classification: Likely benign for Hereditary cancer-predisposing syndrome. Last evaluated: 2024-11-12. Review status: criteria provided, single submitter. Criteria: Ambry Variant Classification Scheme 2023. Collection method: clinical testing. Allele origin: germline.

Labcorp Genetics (formerly Invitae), Labcorp
Classification: Likely benign for Von Hippel-Lindau syndrome; Chuvash polycythemia. Last evaluated: 2022-10-17. Review status: criteria provided, single submitter. Criteria: Invitae Variant Classification Sherloc (09022015). Collection method: clinical testing. Allele origin: germline.